The following is an entry in ClinVar:

NM_006642.5(SDCCAG8):c.675+5G>C

Gene: SDCCAG8 (SHH signaling and ciliogenesis regulator SDCCAG8; plus strand). Cytogenetic location: 1q43.
Variant type: single nucleotide variant.
Coding change: c.675+5G>C on transcript NM_006642.5 (MANE Select); 5 bases into the intron after coding-DNA position 675, G replaced by C.
Molecular consequence: intron variant.
Genome position (GRCh38, 1-based): chr1:243,293,224, G>C. VCF-style: chr1-243293224-G-C. GRCh37 (hg19) VCF-style: chr1-243456526-G-C.
Other names: c.381+5G>C (NM_001350249.2); c.-699+5G>C (NM_001350251.2); c.675+5G>C (NM_001350248.2); c.-438+5G>C (NM_001350246.2); c.-326+5G>C (NM_001350247.2).
Identifiers: ClinVar variation 1523652 (VCV001523652.4), dbSNP rs968117633, ClinGen allele CA40424078.

ClinVar aggregate classification (germline): Uncertain significance (1 of 4 stars; one submission).

Conditions:
Senior-Loken syndrome 7 (SLSN7). Identifiers: Orphanet 3156, MedGen C3150877, MONDO:0013326, OMIM 613615.
Bardet-Biedl syndrome 16 (BBS16). Identifiers: Orphanet 110, MedGen C3889474, MONDO:0014444, OMIM 615993.

gnomAD v4.1: 2 of 1,613,940 alleles (0.00012%); highest among the groups gnomAD compares: Non-Finnish European, 0.00017%; no homozygotes.

Submission:

Labcorp Genetics (formerly Invitae), Labcorp
Classification: Uncertain significance for Bardet-Biedl syndrome 16; Senior-Loken syndrome 7. Last evaluated: 2021-04-06. Review status: criteria provided, single submitter. Criteria: Invitae Variant Classification Sherloc (09022015). Collection method: clinical testing. Allele origin: germline.
Comment: In summary, the available evidence is currently insufficient to determine the role of this variant in disease. Therefore, it has been classified as a Variant of Uncertain Significance. Nucleotide substitutions within the consensus splice site are a relatively common cause of aberrant splicing (PMID: 17576681, 9536098). Algorithms developed to predict the effect of sequence changes on RNA splicing suggest that this variant may disrupt the consensus splice site, but this prediction has not been confirmed by published transcriptional studies. This variant has not been reported in the literature in individuals with SDCCAG8-related conditions. This variant is not present in population databases (ExAC no frequency). This sequence change falls in intron 6 of the SDCCAG8 gene. It does not directly change the encoded amino acid sequence of the SDCCAG8 protein. It affects a nucleotide within the consensus splice site of the intron.

Literature cited by the submitters: PubMed 17576681; PubMed 9536098.